The following is an entry in ClinVar:

NM_001145809.2(MYH14):c.2695-5C>T

Gene: MYH14 (myosin heavy chain 14; plus strand). Cytogenetic location: 19q13.33.
Variant type: single nucleotide variant.
Coding change: c.2695-5C>T on transcript NM_001145809.2 (MANE Select); 5 bases into the intron before coding-DNA position 2695, C replaced by T.
Molecular consequence: intron variant.
Genome position (GRCh38, 1-based): chr19:50,266,872, C>T. VCF-style: chr19-50266872-C-T. GRCh37 (hg19) VCF-style: chr19-50770129-C-T.
Other names: c.2596-5C>T (NM_001077186.2); c.2572-5C>T (NM_024729.4).
Identifiers: ClinVar variation 1216535 (VCV001216535.3), dbSNP rs1224809365, ClinGen allele CA633678570.

ClinVar aggregate classification (germline): Likely benign (1 of 4 stars; one submission).

Allele frequency attached by ClinVar (database versions not stated): gnomAD exomes below 0.00001 and 0.00001; TOPMed below 0.00001.
gnomAD v4.1: 3 of 1,551,710 alleles (0.00019%); highest among the groups gnomAD compares: Admixed American, 0.002%; no homozygotes.

Submission:

GeneDx
Classification: Likely benign. Last evaluated: 2021-03-30. Review status: criteria provided, single submitter. Criteria: GeneDx Variant Classification Process June 2021. Collection method: clinical testing. Allele origin: germline. Affected: yes.
Comment: Not observed at a significant frequency in large population cohorts (Lek et al., 2016); In silico analysis supports that this variant does not alter splicing; Has not been previously published as pathogenic or benign to our knowledge